The following is an entry in ClinVar:

NM_001165963.4(SCN1A):c.5489A>C (p.Gln1830Pro)

Genes: SCN1A (sodium voltage-gated channel alpha subunit 1; minus strand), LOC102724058 (uncharacterized LOC102724058; plus strand). Cytogenetic location: 2q24.3.
Variant type: single nucleotide variant.
Coding change: c.5489A>C on transcript NM_001165963.4 (MANE Select); coding-DNA position 5489, A replaced by C.
Protein change: p.Gln1830Pro; replaces glutamine 1830 with proline.
Molecular consequence: missense variant. On other transcripts: non-coding transcript variant (1).
Genome position (GRCh38, 1-based): chr2:165,991,786, T>G on the plus strand (A>C on the coding strand, the complement: SCN1A is on the minus strand). VCF-style: chr2-165991786-T-G. GRCh37 (hg19) VCF-style: chr2-166848296-T-G.
Other names: c.5402A>C, p.Gln1801Pro (NM_001353960.2); c.3047A>C, p.Gln1016Pro (NM_001353961.2); c.5456A>C, p.Gln1819Pro (NM_006920.6, NM_001353949.2, NM_001353950.2 and 2 more transcripts); c.5489A>C (NM_001165963.1); c.5405A>C, p.Gln1802Pro (NM_001165964.3, NM_001353957.2, NM_001353958.2); c.5489A>C, p.Gln1830Pro (NM_001202435.3, NM_001353948.2); c.5453A>C, p.Gln1818Pro (NM_001353954.2, NM_001353955.2); short protein forms Q1016P, Q1801P, Q1802P, Q1818P, Q1819P, Q1830P.
Identifiers: ClinVar variation 1026221 (VCV001026221.11), dbSNP rs566595038, ClinGen allele CA1942671.

ClinVar aggregate classification (germline): Conflicting classifications of pathogenicity. Review status: criteria provided, conflicting classifications (1 of 4 stars). 2 submissions from 2 submitters: Uncertain significance (1); Likely benign (1). Last evaluated 2025-06-02.

Conditions:
Inborn genetic diseases. Identifiers: MedGen C0950123, MeSH D030342.
Early-infantile DEE. Also called: Ohtahara syndrome; Early infantile epileptic encephalopathy with suppression bursts; Early infantile epileptic encephalopathy. Identifiers: Orphanet 1934, MedGen C0393706, MONDO:0800491.

Allele frequency attached by ClinVar (database versions not stated): gnomAD exomes 0.00002; TOPMed 0.00002; ExAC 0.00002; gnomAD 0.00003.
gnomAD v4.1: 79 of 1,613,844 alleles (0.0049%); highest among the groups gnomAD compares: Non-Finnish European, 0.0066%; no homozygotes.

Submissions (2):

Labcorp Genetics (formerly Invitae), Labcorp
Classification: Uncertain significance for Early-infantile DEE. Last evaluated: 2025-06-02. Review status: criteria provided, single submitter. Criteria: Invitae Variant Classification Sherloc (09022015). Collection method: clinical testing. Allele origin: germline.
Comment: This sequence change replaces glutamine, which is neutral and polar, with proline, which is neutral and non-polar, at codon 1830 of the SCN1A protein (p.Gln1830Pro). This variant is present in population databases (rs566595038, gnomAD 0.004%). This variant has not been reported in the literature in individuals affected with SCN1A-related conditions. ClinVar contains an entry for this variant (Variation ID: 1026221). Invitae Evidence Modeling of protein sequence and biophysical properties (such as structural, functional, and spatial information, amino acid conservation, physicochemical variation, residue mobility, and thermodynamic stability) indicates that this missense variant is not expected to disrupt SCN1A protein function with a negative predictive value of 95%. In summary, the available evidence is currently insufficient to determine the role of this variant in disease. Therefore, it has been classified as a Variant of Uncertain Significance.

Ambry Genetics
Classification: Likely benign for Inborn genetic diseases. Last evaluated: 2023-01-06. Review status: criteria provided, single submitter. Criteria: Ambry Variant Classification Scheme 2023. Collection method: clinical testing. Allele origin: germline.